The following is an entry in ClinVar:

NM_019616.4(F7):c.822G>A (p.Pro274=)

Gene: F7 (coagulation factor VII; plus strand). Cytogenetic location: 13q34.
Variant type: single nucleotide variant.
Coding change: c.822G>A on transcript NM_019616.4 (MANE Select); coding-DNA position 822, G replaced by A.
Protein change: p.Pro274=; no amino-acid change (proline 274 retained).
Molecular consequence: synonymous variant. On other transcripts: non-coding transcript variant (1).
Genome position (GRCh38, 1-based): chr13:113,118,495, G>A. VCF-style: chr13-113118495-G-A. GRCh37 (hg19) VCF-style: chr13-113772809-G-A.
Other names: c.888G>A, p.Pro296= (NM_000131.5); c.636G>A, p.Pro212= (NM_001267554.2).
Identifiers: ClinVar variation 807055 (VCV000807055.19), dbSNP rs566083695, ClinGen allele CA7060159.

ClinVar aggregate classification (germline): Conflicting classifications of pathogenicity. Review status: criteria provided, conflicting classifications (1 of 4 stars). 4 submissions from 4 submitters: Uncertain significance (1); Benign (1); Likely benign (1). 1 of the submissions does not count toward it. Last evaluated 2025-09-05.

Conditions:
F7-related disorder. Also called: F7-related condition.
Factor VII deficiency. Also called: F7 DEFICIENCY; HYPOPROCONVERTINEMIA; Factor 7 deficiency. Identifiers: MedGen C0015503, MeSH D005168, MONDO:0002244.

Allele frequency attached by ClinVar (database versions not stated): TOPMed 0.00005; gnomAD 0.00006 and 0.00013; gnomAD exomes 0.00023 and 0.00040; ExAC 0.00040; 1000 Genomes Project 30x 0.00062; 1000 Genomes Project 0.00080.

Submissions (4):

Labcorp Genetics (formerly Invitae), Labcorp
Classification: Benign. Last evaluated: 2025-09-05. Review status: criteria provided, single submitter. Criteria: Invitae Variant Classification Sherloc (09022015). Collection method: clinical testing. Allele origin: germline.

Blueprint Genetics
Classification: Likely benign. Last evaluated: 2024-09-13. Review status: criteria provided, single submitter. Criteria: ACMG Guidelines, 2015. Collection method: clinical testing. Allele origin: germline.

Illumina Laboratory Services, Illumina
Classification: Uncertain significance for Congenital factor VII deficiency. Last evaluated: 2018-01-13. Review status: criteria provided, single submitter. Criteria: ICSL Variant Classification Criteria 13 December 2019. Collection method: clinical testing. Allele origin: germline.

PreventionGenetics, part of Exact Sciences
Classification: Likely benign for F7-related condition. Last evaluated: 2023-09-19. Review status: no assertion criteria provided. Collection method: clinical testing. Allele origin: germline. Not counted in ClinVar's aggregate classification.
Comment: This variant is classified as likely benign based on ACMG/AMP sequence variant interpretation guidelines (Richards et al. 2015 PMID: 25741868, with internal and published modifications).